The following is an entry in ClinVar:

NM_004006.3(DMD):c.6442C>T (p.Leu2148Phe)

Gene: DMD (dystrophin; minus strand). Cytogenetic location: Xp21.1.
Variant type: single nucleotide variant.
Coding change: c.6442C>T on transcript NM_004006.3 (MANE Select); coding-DNA position 6442, C replaced by T.
Protein change: p.Leu2148Phe; replaces leucine 2148 with phenylalanine.
Molecular consequence: missense variant. On other transcripts: 5 prime UTR variant (5).
Genome position (GRCh38, 1-based): chrX:31,968,511, G>A on the plus strand (C>T on the coding strand, the complement: DMD is on the minus strand). VCF-style: chrX-31968511-G-A. GRCh37 (hg19) VCF-style: chrX-31986628-G-A.
Other names: c.6418C>T, p.Leu2140Phe (NM_000109.4); c.6430C>T, p.Leu2144Phe (NM_004009.3); c.6073C>T, p.Leu2025Phe (NM_004010.3); c.2419C>T, p.Leu807Phe (NM_004011.4); c.2410C>T, p.Leu804Phe (NM_004012.4); c.-939C>T (NM_004013.3, NM_004020.4, NM_004021.3 and 2 more transcripts); short protein forms L2025F, L2140F, L2144F, L2148F, L804F, L807F.
Identifiers: ClinVar variation 3067313 (VCV003067313.25), dbSNP rs2534078528, ClinGen allele CA412659832.

ClinVar aggregate classification (germline): Uncertain significance. Review status: criteria provided, multiple submitters, no conflicts (2 of 4 stars). 4 submissions from 4 submitters: Uncertain significance (4). Last evaluated 2026-07-09.

Conditions:
Becker muscular dystrophy (BMD). Also called: MUSCULAR DYSTROPHY, PSEUDOHYPERTROPHIC PROGRESSIVE, BECKER TYPE; Becker Muscular Dystrophy (BMD). Identifiers: Orphanet 98895, MedGen C0917713, MONDO:0010311, OMIM 300376.
Dilated cardiomyopathy 3B (CMD3B). Also called: CMD3B: DMD-Related Dilated Cardiomyopathy; CARDIOMYOPATHY, DILATED, X-LINKED; DMD-Associated Dilated Cardiomyopathy. Identifiers: Orphanet 154, MedGen C3668940, MONDO:0010542, OMIM 302045.
Duchenne muscular dystrophy (DMD). Also called: MUSCULAR DYSTROPHY, PSEUDOHYPERTROPHIC PROGRESSIVE, DUCHENNE TYPE; Duchenne Muscular Dystrophy (DMD). Identifiers: Orphanet 98896, MedGen C0013264, MONDO:0010679, OMIM 310200.
Cardiovascular phenotype. Identifiers: MedGen CN230736.

Allele frequency attached by ClinVar (database versions not stated): gnomAD exomes below 0.00001.
gnomAD v4.1: 1 of 1,210,091 alleles (0.000083%); highest among the groups gnomAD compares: Non-Finnish European, 0.00011%; no homozygotes.

Submissions (4):

Ambry Genetics
Classification: Uncertain significance for Cardiovascular phenotype. Last evaluated: 2026-07-09. Review status: criteria provided, single submitter. Criteria: Ambry Variant Classification Scheme 2023. Collection method: clinical testing. Allele origin: germline.
Comment: The p.L2148F variant (also known as c.6442C>T), located in coding exon 45 of the DMD gene, results from a C to T substitution at nucleotide position 6442. The leucine at codon 2148 is replaced by phenylalanine, an amino acid with highly similar properties. This amino acid position is conserved. In addition, this alteration is predicted to be tolerated by in silico analysis. Based on the available evidence, the clinical significance of this variant remains unclear.

Labcorp Genetics (formerly Invitae), Labcorp
Classification: Uncertain significance for Duchenne muscular dystrophy. Last evaluated: 2025-12-29. Review status: criteria provided, single submitter. Criteria: Invitae Variant Classification Sherloc (09022015). Collection method: clinical testing. Allele origin: germline.
Comment: This sequence change replaces leucine, which is neutral and non-polar, with phenylalanine, which is neutral and non-polar, at codon 2148 of the DMD protein (p.Leu2148Phe). This variant is not present in population databases (gnomAD no frequency). This variant has not been reported in the literature in individuals affected with DMD-related conditions. ClinVar contains an entry for this variant (Variation ID: 3067313). Invitae Evidence Modeling of protein sequence and biophysical properties (such as structural, functional, and spatial information, amino acid conservation, physicochemical variation, residue mobility, and thermodynamic stability) indicates that this missense variant is not expected to disrupt DMD protein function with a negative predictive value of 95%. In summary, the available evidence is currently insufficient to determine the role of this variant in disease. Therefore, it has been classified as a Variant of Uncertain Significance.

CeGaT Center for Human Genetics Tuebingen
Classification: Uncertain significance. Last evaluated: 2024-03-01. Review status: criteria provided, single submitter. Criteria: CeGaT Center For Human Genetics Tuebingen Variant Classification Criteria Version 2. Collection method: clinical testing. Allele origin: germline. Affected: yes. Observed: 1 variant allele.
Comment: DMD: PM2

Fulgent Genetics
Classification: Uncertain significance for Becker muscular dystrophy; Dilated cardiomyopathy 3B; Duchenne muscular dystrophy. Last evaluated: 2024-02-13. Review status: criteria provided, single submitter. Criteria: ACMG Guidelines, 2015. Collection method: clinical testing. Allele origin: germline.